The following is an entry in ClinVar:

NM_000214.3(JAG1):c.2270G>A (p.Gly757Asp)

Gene: JAG1 (jagged canonical Notch ligand 1; minus strand). Cytogenetic location: 20p12.2.
Variant type: single nucleotide variant.
Coding change: c.2270G>A on transcript NM_000214.3 (MANE Select); coding-DNA position 2270, G replaced by A.
Protein change: p.Gly757Asp; replaces glycine 757 with aspartic acid.
Molecular consequence: missense variant.
Genome position (GRCh38, 1-based): chr20:10,644,937, C>T on the plus strand (G>A on the coding strand, the complement: JAG1 is on the minus strand). VCF-style: chr20-10644937-C-T. GRCh37 (hg19) VCF-style: chr20-10625585-C-T.
Other names: short protein forms G757D.
Identifiers: ClinVar variation 1721978 (VCV001721978.6), dbSNP rs2514512969, ClinGen allele CA408234994.

ClinVar aggregate classification (germline): Uncertain significance. Review status: criteria provided, multiple submitters, no conflicts (2 of 4 stars). 2 submissions from 2 submitters: Uncertain significance (2). Last evaluated 2024-06-04.

Conditions:
Alagille syndrome due to a JAG1 point mutation. Also called: Alagille Syndrome 1; JAG1-Related Alagille Syndrome; HEPATIC DUCTULAR HYPOPLASIA, SYNDROMATIC. Identifiers: Orphanet 261619, Orphanet 52, MedGen C1956125, MONDO:0016862, OMIM 118450.
Deafness, congenital heart defects, and posterior embryotoxon (DCHE). Identifiers: MedGen C1866053, MONDO:0060713, OMIM 617992.
Tetralogy of Fallot (TOF). Identifiers: Orphanet 3303, MedGen C0039685, MONDO:0008542, OMIM 187500, HP:0001636.
Charcot-Marie-Tooth disease, axonal, Type 2HH. Also called: CHARCOT-MARIE-TOOTH NEUROPATHY, TYPE 2HH. Identifiers: MedGen C5562003, MONDO:0030458, OMIM 619574.

Allele frequency attached by ClinVar (database versions not stated): gnomAD exomes below 0.00001.
gnomAD v4.1: 1 of 1,614,150 alleles (0.000062%); highest among the groups gnomAD compares: Non-Finnish European, 0.000085%; no homozygotes.

Submissions (2):

Fulgent Genetics
Classification: Uncertain significance for Alagille syndrome due to a JAG1 point mutation; Tetralogy of Fallot; Deafness, congenital heart defects, and posterior embryotoxon; Charcot-Marie-Tooth disease, axonal, Type 2HH. Last evaluated: 2024-06-04. Review status: criteria provided, single submitter. Criteria: ACMG Guidelines, 2015. Collection method: clinical testing. Allele origin: germline.

Labcorp Genetics (formerly Invitae), Labcorp
Classification: Uncertain significance for Alagille syndrome due to a JAG1 point mutation. Last evaluated: 2022-10-21. Review status: criteria provided, single submitter. Criteria: Invitae Variant Classification Sherloc (09022015). Collection method: clinical testing. Allele origin: germline.
Comment: In summary, the available evidence is currently insufficient to determine the role of this variant in disease. Therefore, it has been classified as a Variant of Uncertain Significance. Algorithms developed to predict the effect of sequence changes on RNA splicing suggest that this variant may create or strengthen a splice site. Advanced modeling of protein sequence and biophysical properties (such as structural, functional, and spatial information, amino acid conservation, physicochemical variation, residue mobility, and thermodynamic stability) performed at Invitae indicates that this missense variant is expected to disrupt JAG1 protein function. This variant has not been reported in the literature in individuals affected with JAG1-related conditions. This variant is not present in population databases (gnomAD no frequency). This sequence change replaces glycine, which is neutral and non-polar, with aspartic acid, which is acidic and polar, at codon 757 of the JAG1 protein (p.Gly757Asp).